The following is an entry in ClinVar:

NC_000011.9:g.(108129803_108137897)_(108225602_108235808)dup

Gene: ATM (ATM serine/threonine kinase; plus strand). Cytogenetic location: 11q22.3.
Variant type: Duplication.
Identifiers: ClinVar variation 3896268 (VCV003896268.2).

ClinVar aggregate classification (germline): Likely pathogenic (1 of 4 stars; one submission).

Conditions:
Ataxia-telangiectasia syndrome (AT). Also called: LOUIS-BAR SYNDROME; Ataxia-telangiectasia, complementation group D; AT, COMPLEMENTATION GROUP C; Ataxia-telangiectasia; Ataxia-telangiectasia, complementation group E; Ataxia telangiectasia (A-T). Identifiers: Orphanet 100, MedGen C0004135, MONDO:0008840, OMIM 208900.

Submission:

Women's Health and Genetics/Laboratory Corporation of America, LabCorp
Classification: Likely pathogenic for Ataxia-telangiectasia syndrome. Last evaluated: 2025-04-15. Review status: criteria provided, single submitter. Criteria: LabCorp Variant Classification Summary - May 2015. Collection method: clinical testing. Allele origin: germline.
Comment: Variant summary: The variant involves the duplication of exons 17-61 in the ATM gene. A presumed nomenclature of c.(2466+1_2467-1)_(8850+1_8851-1)dup has been designated for the purposes of this classification. It is assumed to be a tandem duplication in direct orientation (PMIDs: 25640679, 30054569). This Copy Number Variant (CNV) is predicted to result in an in-frame duplication within this gene. The variant was absent in 21692 control chromosomes. Exon 17-61 duplications have also been observed in individual(s) affected with Ataxia-Telangiectasia (example: Kim_2023, Martin-Rodriguez_2019, Invitae). In at least one individual the data is consistent with being in trans (on the opposite chromosome) from a pathogenic variant. It has also been observed to segregate with disease in related individuals. These data indicate that the variant is likely to be associated with disease. To our knowledge, no experimental evidence demonstrating an impact on protein function has been reported. The following publications have been ascertained in the context of this evaluation (PMID: 37438524, 30426508, 30888062). ClinVar contains an entry for this variant (Variation ID: 583716). Based on the evidence outlined above, the variant was classified as likely pathogenic for Ataxia-Telangiectasia and ATM-related cancers.

Literature cited by the submitters: PubMed 30426508; PubMed 37438524; PubMed 30888062.